The following is an entry in ClinVar:

NM_023110.3(FGFR1):c.1977+10G>A

Gene: FGFR1 (fibroblast growth factor receptor 1; minus strand). Cytogenetic location: 8p11.23.
Variant type: single nucleotide variant.
Coding change: c.1977+10G>A on transcript NM_023110.3 (MANE Select); 10 bases into the intron after coding-DNA position 1977, G replaced by A.
Molecular consequence: intron variant.
Genome position (GRCh38, 1-based): chr8:38,414,769, C>T on the plus strand (G>A on the coding strand, the complement: FGFR1 is on the minus strand). VCF-style: chr8-38414769-C-T. GRCh37 (hg19) VCF-style: chr8-38272287-C-T.
Other names: c.1698+10G>A (NM_001354368.2); c.1704+10G>A (NM_001354370.2, NM_023106.3); c.1710+10G>A (NM_023105.3, NM_001174066.2); c.1971+10G>A (NM_001354367.2, NM_015850.4, NM_001174063.2 and 1 more transcripts); c.1947+10G>A (NM_001174064.2); c.1965+10G>A (NM_001354369.2); c.2070+10G>A (NM_001174067.2); c.1977+10G>A (NM_023110.2).
Identifiers: ClinVar variation 1097955 (VCV001097955.9), dbSNP rs770318743, ClinGen allele CA4718227.

ClinVar aggregate classification (germline): Likely benign. Review status: criteria provided, single submitter (1 of 4 stars). 2 submissions from 2 submitters: Likely benign (1). 1 of the submissions does not count toward it. Last evaluated 2025-07-27.

Conditions:
FGFR1-related disorder. Also called: FGFR1-related disorders; FGFR1-related condition. Identifiers: MedGen CN380097.
Hypogonadotropic hypogonadism 2 with or without anosmia (HH2). Also called: HYPOGONADOTROPIC HYPOGONADISM 2 WITHOUT ANOSMIA; HYPOGONADOTROPIC HYPOGONADISM 2 WITH OR WITHOUT ANOSMIA, SUSCEPTIBILITY TO; HYPOGONADOTROPIC HYPOGONADISM 2 WITHOUT ANOSMIA, SUSCEPTIBILITY TO; FGFR1-Related GnRH Deficiency (Kallmann Syndrome 2). Identifiers: Orphanet 478, MedGen C1563720, MONDO:0007844, OMIM 147950. Disease mechanism: loss of function.
Pfeiffer syndrome (ACS5). Also called: ACS V. Identifiers: Orphanet 710, MedGen C0220658, MONDO:0007043, OMIM 101600.

Allele frequency attached by ClinVar (database versions not stated): ExAC 0.00002; gnomAD exomes 0.00006 and 0.00015; TOPMed 0.00008.
gnomAD v4.1: 231 of 1,613,938 alleles (0.014%); highest among the groups gnomAD compares: Non-Finnish European, 0.018%; no homozygotes.

Submissions (2):

Labcorp Genetics (formerly Invitae), Labcorp
Classification: Likely benign for Pfeiffer syndrome; Hypogonadotropic hypogonadism 2 with or without anosmia. Last evaluated: 2025-07-27. Review status: criteria provided, single submitter. Criteria: Invitae Variant Classification Sherloc (09022015). Collection method: clinical testing. Allele origin: germline.

PreventionGenetics, part of Exact Sciences
Classification: Likely benign for FGFR1-related condition. Last evaluated: 2021-07-01. Review status: no assertion criteria provided. Collection method: clinical testing. Allele origin: germline. Not counted in ClinVar's aggregate classification.
Comment: This variant is classified as likely benign based on ACMG/AMP sequence variant interpretation guidelines (Richards et al. 2015 PMID: 25741868, with internal and published modifications).